The following is an entry in ClinVar:

ClinVar aggregate classification (germline): Uncertain significance. Review status: criteria provided, multiple submitters, no conflicts (2 of 4 stars). 3 submissions from 3 submitters: Uncertain significance (3). Last evaluated 2024-04-15.

Conditions:
RYR1-related disorder. Also called: RYR1-related condition; RYR1-related disorders. Identifiers: MedGen CN239331.
Malignant hyperthermia, susceptibility to, 1 (MHS1). Also called: RYR1-Related Malignant Hyperthermia Susceptibility; Malignant hyperthermia suceptibility 1; Anesthesia related hyperthermia; Malignant hyperpyrexia; Fulminating hyperpyrexia; Pharmacogenic myopathy. Identifiers: Orphanet 423, MedGen C2930980, MONDO:0007783, OMIM 145600.

Allele frequency attached by ClinVar (database versions not stated): TOPMed 0.00001; 1000 Genomes Project 30x 0.00031; 1000 Genomes Project 0.00040.
gnomAD v4.1: 19 of 1,613,922 alleles (0.0012%); highest among the groups gnomAD compares: East Asian, 0.0089%; no homozygotes.

Submissions (3):

Labcorp Genetics (formerly Invitae), Labcorp
Classification: Uncertain significance for RYR1-related disorder. Last evaluated: 2024-04-15. Review status: criteria provided, single submitter. Criteria: Invitae Variant Classification Sherloc (09022015). Collection method: clinical testing. Allele origin: germline.
Comment: This sequence change replaces valine, which is neutral and non-polar, with methionine, which is neutral and non-polar, at codon 370 of the RYR1 protein (p.Val370Met). This variant is present in population databases (rs537344365, gnomAD 0.02%). This variant has not been reported in the literature in individuals affected with RYR1-related conditions. ClinVar contains an entry for this variant (Variation ID: 450856). Advanced modeling of protein sequence and biophysical properties (such as structural, functional, and spatial information, amino acid conservation, physicochemical variation, residue mobility, and thermodynamic stability) performed at Invitae indicates that this missense variant is not expected to disrupt RYR1 protein function with a negative predictive value of 95%. In summary, the available evidence is currently insufficient to determine the role of this variant in disease. Therefore, it has been classified as a Variant of Uncertain Significance.

All of Us Research Program, National Institutes of Health
Classification: Uncertain significance for Malignant hyperthermia, susceptibility to, 1. Last evaluated: 2023-12-18. Review status: criteria provided, single submitter. Criteria: ACMG Guidelines, 2015. Collection method: clinical testing. Allele origin: germline. Inheritance: Autosomal dominant inheritance. Observed: 7 variant alleles, 7 heterozygotes.
Comment: This missense variant replaces valine with methionine at codon 370 of the RYR1 protein. Computational prediction suggests that this variant may not impact protein structure and function (internally defined REVEL score threshold <= 0.5, PMID: 27666373). To our knowledge, functional studies have not been reported for this variant. This variant has not been reported in individuals affected with RYR1-related disorders in the literature. This variant has been identified in 11/250822 chromosomes in the general population by the Genome Aggregation Database (gnomAD). The available evidence is insufficient to determine the role of this variant in disease conclusively. Therefore, this variant is classified as a Variant of Uncertain Significance.

This study involves interpretation of variants in research participants for the purpose of population health screening. Participant phenotype was not available at the time of variant classification. Additional details can be found in publication PMID: 35346344, PMCID: PMC8962531

GeneDx
Classification: Uncertain significance. Last evaluated: 2017-07-28. Review status: criteria provided, single submitter. Criteria: GeneDx Variant Classification (06012015). Collection method: clinical testing. Allele origin: germline. Affected: yes.
Comment: A variant of uncertain significance has been identified in the RYR1 gene. The V370M variant has not been published as a pathogenic variant, nor has it been reported as a benign variant to our knowledge. The V370M variant is observed in 4/8366 (0.05%) alleles from individuals of East Asian background (Lek et al., 2016; 1000 Genomes Consortium et al., 2015; Exome Variant Server). The V370M variant is a conservative amino acid substitution, which is not likely to impact secondary protein structure as these residues share similar properties. This substitution occurs at a position that is not conserved. However, missense variants in nearby residues (R367L/Q) have been reported in Human Gene Mutation Database in association with RYR1-related disorders (Stenson et al., 2014), supporting the functional importance of this region of the protein. In silico analysis is inconsistent in its predictions as to whether or not the variant is damaging to the protein structure/function. Therefore, based on the currently available information, it is unclear whether this variant is a pathogenic variant or a rare benign variant.

NM_000540.3(RYR1):c.1108G>A (p.Val370Met)

Gene: RYR1 (ryanodine receptor 1; plus strand). Cytogenetic location: 19q13.2.
Variant type: single nucleotide variant.
Coding change: c.1108G>A on transcript NM_000540.3 (MANE Select); coding-DNA position 1108, G replaced by A.
Protein change: p.Val370Met; replaces valine 370 with methionine.
Molecular consequence: missense variant.
Genome position (GRCh38, 1-based): chr19:38,448,799, G>A. VCF-style: chr19-38448799-G-A. GRCh37 (hg19) VCF-style: chr19-38939439-G-A.
Other names: c.1108G>A, p.Val370Met (NM_001042723.2); short protein forms V370M.
Identifiers: ClinVar variation 450856 (VCV000450856.11), dbSNP rs537344365, ClinGen allele CA055838.